The following is an entry in ClinVar:

ClinVar aggregate classification (germline): Benign (1 of 4 stars; one submission).

Conditions:
Hereditary diffuse gastric adenocarcinoma (HDGC). Also called: DIFFUSE GASTRIC AND LOBULAR BREAST CANCER SYNDROME. Identifiers: Orphanet 26106, MedGen C1708349, MONDO:0007648, OMIM 137215.

Submission:

Myriad Genetics, Inc.
Classification: Benign for Hereditary diffuse gastric adenocarcinoma. Last evaluated: 2024-09-20. Review status: criteria provided, single submitter. Criteria: Myriad Autosomal Dominant, Autosomal Recessive and X-Linked Classification Criteria (2023). Collection method: clinical testing. Allele origin: unknown.
Comment: This variant is considered benign. This variant is a silent/synonymous amino acid change and it is not expected to impact splicing.

NM_004360.5(CDH1):c.2037C>T (p.Thr679=)

Gene: CDH1 (cadherin 1; plus strand). Cytogenetic location: 16q22.1.
Variant type: single nucleotide variant.
Coding change: c.2037C>T on transcript NM_004360.5 (MANE Select); coding-DNA position 2037, C replaced by T.
Protein change: p.Thr679=; no amino-acid change (threonine 679 retained).
Molecular consequence: synonymous variant.
Genome position (GRCh38, 1-based): chr16:68,823,499, C>T. VCF-style: chr16-68823499-C-T. GRCh37 (hg19) VCF-style: chr16-68857402-C-T.
Other names: c.1854C>T, p.Thr618= (NM_001317184.2); c.489C>T, p.Thr163= (NM_001317185.2); c.72C>T, p.Thr24= (NM_001317186.2).
Identifiers: ClinVar variation 3378799 (VCV003378799.1).